The following is an entry in ClinVar:

ClinVar aggregate classification (germline): Uncertain significance (1 of 4 stars; one submission).

Submission:

GeneDx
Classification: Uncertain significance. Last evaluated: 2024-07-17. Review status: criteria provided, single submitter. Criteria: GeneDx Variant Classification Process June 2021. Collection method: clinical testing. Allele origin: germline. Affected: yes.
Comment: Not observed at significant frequency in large population cohorts (gnomAD); In silico analysis supports that this missense variant has a deleterious effect on protein structure/function; Has not been previously published as pathogenic or benign to our knowledge

NM_005245.4(FAT1):c.10775T>C (p.Val3592Ala)

Genes: FAT1 (FAT atypical cadherin 1; minus strand), LOC126807254 (BRD4-independent group 4 enhancer GRCh37_chr4:187524269-187525468; plus strand). Cytogenetic location: 4q35.2.
Variant type: single nucleotide variant.
Coding change: c.10775T>C on transcript NM_005245.4 (MANE Select); coding-DNA position 10775, T replaced by C.
Protein change: p.Val3592Ala; replaces valine 3592 with alanine.
Molecular consequence: missense variant.
Genome position (GRCh38, 1-based): chr4:186,603,751, A>G on the plus strand (T>C on the coding strand, the complement: FAT1 is on the minus strand). VCF-style: chr4-186603751-A-G. GRCh37 (hg19) VCF-style: chr4-187524905-A-G.
Other names: short protein forms V3592A.
Identifiers: ClinVar variation 3573726 (VCV003573726.1).